The following is an entry in ClinVar:

ClinVar aggregate classification (germline): Uncertain significance. Review status: criteria provided, multiple submitters, no conflicts (2 of 4 stars). 2 submissions from 2 submitters: Uncertain significance (2). Last evaluated 2025-11-12.

Conditions:
Inborn genetic diseases. Identifiers: MedGen C0950123, MeSH D030342.

gnomAD v4.1: 1 of 1,614,202 alleles (0.000062%); highest among the groups gnomAD compares: South Asian, 0.0011%; no homozygotes.

Submissions (2):

Labcorp Genetics (formerly Invitae), Labcorp
Classification: Uncertain significance. Last evaluated: 2025-11-12. Review status: criteria provided, single submitter. Criteria: Invitae Variant Classification Sherloc (09022015). Collection method: clinical testing. Allele origin: germline.
Comment: This sequence change replaces asparagine, which is neutral and polar, with lysine, which is basic and polar, at codon 433 of the ABL1 protein (p.Asn433Lys). This variant is not present in population databases (gnomAD no frequency). This variant has not been reported in the literature in individuals affected with ABL1-related conditions. ClinVar contains an entry for this variant (Variation ID: 3131586). Invitae Evidence Modeling of protein sequence and biophysical properties (such as structural, functional, and spatial information, amino acid conservation, physicochemical variation, residue mobility, and thermodynamic stability) indicates that this missense variant is expected to disrupt ABL1 protein function with a positive predictive value of 80%. In summary, the available evidence is currently insufficient to determine the role of this variant in disease. Therefore, it has been classified as a Variant of Uncertain Significance.

Ambry Genetics
Classification: Uncertain significance for Inborn genetic diseases. Last evaluated: 2023-09-25. Review status: criteria provided, single submitter. Criteria: Ambry Variant Classification Scheme 2023. Collection method: clinical testing. Allele origin: germline.

NM_005157.6(ABL1):c.1242C>G (p.Asn414Lys)

Gene: ABL1 (ABL proto-oncogene 1, non-receptor tyrosine kinase; plus strand). Cytogenetic location: 9q34.12.
Variant type: single nucleotide variant.
Coding change: c.1242C>G on transcript NM_005157.6 (MANE Select); coding-DNA position 1242, C replaced by G.
Protein change: p.Asn414Lys; replaces asparagine 414 with lysine.
Molecular consequence: missense variant.
Genome position (GRCh38, 1-based): chr9:130,875,024, C>G. VCF-style: chr9-130875024-C-G. GRCh37 (hg19) VCF-style: chr9-133750411-C-G.
Other names: c.1299C>G, p.Asn433Lys (NM_007313.3); short protein forms N414K, N433K.
Identifiers: ClinVar variation 3131586 (VCV003131586.2), dbSNP rs1268561344, ClinGen allele CA375250094.
Genomic context (GRCh38, chr9:130,875,024, plus strand): 5'-AGCCCATGCTGGAGCCAAGTTCCCCATCAAATGGACTGCACCCGAGAGCCTGGCCTACAA[C>G]AAGTTCTCCATCAAGTCCGACGTCTGGGGTAAGGGCTGCTGCTGCACTGAAGTGGTCCTT-3'
Protein context (NP_005148.2, residues 404-424): KWTAPESLAY[Asn414Lys]KFSIKSDVWA